The following is an entry in ClinVar:

ClinVar aggregate classification (germline): Uncertain significance (1 of 4 stars; one submission).

Conditions:
Hereditary motor and sensory neuropathy, Okinawa type (HMSNO). Also called: HEREDITARY MOTOR AND SENSORY NEUROPATHY, PROXIMAL TYPE. Identifiers: Orphanet 90117, MedGen C1858338, MONDO:0011468, OMIM 604484.
Hereditary spastic paraplegia 57. Also called: Spastic paraplegia 57, autosomal recessive. Identifiers: Orphanet 431329, MedGen C3714897, MONDO:0014295, OMIM 615658.

Allele frequency attached by ClinVar (database versions not stated): gnomAD exomes below 0.00001; TOPMed 0.00002.

Submission:

Labcorp Genetics (formerly Invitae), Labcorp
Classification: Uncertain significance for Hereditary motor and sensory neuropathy, Okinawa type; Hereditary spastic paraplegia 57. Last evaluated: 2018-05-03. Review status: criteria provided, single submitter. Criteria: Invitae Variant Classification Sherloc (09022015). Collection method: clinical testing. Allele origin: germline.
Comment: In summary, the available evidence is currently insufficient to determine the role of this variant in disease. Therefore, it has been classified as a Variant of Uncertain Significance. Algorithms developed to predict the effect of missense changes on protein structure and function (SIFT, PolyPhen-2, Align-GVGD) all suggest that this variant is likely to be disruptive, but these predictions have not been confirmed by published functional studies and their clinical significance is uncertain. This variant has not been reported in the literature in individuals with TFG-related disease. This variant is not present in population databases (ExAC no frequency). This sequence change replaces proline with serine at codon 125 of the TFG protein (p.Pro125Ser). The proline residue is highly conserved and there is a moderate physicochemical difference between proline and serine.

NM_006070.6(TFG):c.373C>T (p.Pro125Ser)

Gene: TFG (trafficking from ER to golgi regulator; plus strand). Cytogenetic location: 3q12.2.
Variant type: single nucleotide variant.
Coding change: c.373C>T on transcript NM_006070.6 (MANE Select); coding-DNA position 373, C replaced by T.
Protein change: p.Pro125Ser; replaces proline 125 with serine.
Molecular consequence: missense variant.
Genome position (GRCh38, 1-based): chr3:100,728,816, C>T. VCF-style: chr3-100728816-C-T. GRCh37 (hg19) VCF-style: chr3-100447660-C-T.
Other names: c.373C>T, p.Pro125Ser (NM_001007565.2, NM_001195478.2, NM_001195479.2); short protein forms P125S.
Identifiers: ClinVar variation 1003573 (VCV001003573.8), dbSNP rs746234370, ClinGen allele CA353842779.